The following is an entry in ClinVar:

NC_000009.11:g.(?_103014545)_(103015438_?)dup

Gene: INVS (inversin; plus strand). Cytogenetic location: 9q31.1.
Variant type: Duplication.
Identifiers: ClinVar variation 3245134 (VCV003245134.1).

ClinVar aggregate classification (germline): Likely pathogenic (1 of 4 stars; one submission).

Conditions:
Nephronophthisis. Also called: Juvenile Nephronophthisis. Identifiers: Orphanet 655, MedGen C0687120, MONDO:0019005, HP:0000090.

Submission:

Labcorp Genetics (formerly Invitae), Labcorp
Classification: Likely pathogenic for Nephronophthisis. Last evaluated: 2023-09-09. Review status: criteria provided, single submitter. Criteria: Invitae Variant Classification Sherloc (09022015). Collection method: clinical testing. Allele origin: unknown.
Comment: This variant results in a copy number gain of the genomic region encompassing exon(s) 9-10 of the INVS gene. While the exact position of this variant cannot be determined from the data, sub-genic copy number gains are generally in tandem (PMID: 25640679). This variant is predicted to be out-of-frame, and may result in an absent or disrupted protein product. Loss-of-function variants in INVS are known to be pathogenic (PMID: 12872123). This variant has not been reported in the literature in individuals affected with INVS-related conditions. In summary, the currently available evidence indicates that the variant is pathogenic, but additional data are needed to prove that conclusively. Therefore, this variant has been classified as Likely Pathogenic.

Literature cited by the submitters: PubMed 25640679; PubMed 12872123.